The following is an entry in ClinVar:

ClinVar aggregate classification (germline): Uncertain significance (1 of 4 stars; one submission).

Conditions:
Hypertrophic cardiomyopathy. Also called: HYPERTROPHIC MYOCARDIOPATHY. Identifiers: Orphanet 217569, MedGen C0007194, MeSH D002312, MONDO:0005045, HP:0001639.

Allele frequency attached by ClinVar (database versions not stated): gnomAD exomes below 0.00001.
gnomAD v4.1: 1 of 1,614,088 alleles (0.000062%); highest among the groups gnomAD compares: Non-Finnish European, 0.000085%; no homozygotes.

Submission:

Labcorp Genetics (formerly Invitae), Labcorp
Classification: Uncertain significance for Hypertrophic cardiomyopathy. Last evaluated: 2025-12-08. Review status: criteria provided, single submitter. Criteria: Invitae Variant Classification Sherloc (09022015). Collection method: clinical testing. Allele origin: germline.
Comment: This sequence change replaces alanine, which is neutral and non-polar, with threonine, which is neutral and polar, at codon 91 of the MYH7 protein (p.Ala91Thr). This variant is not present in population databases (gnomAD no frequency). This variant has not been reported in the literature in individuals affected with MYH7-related conditions. ClinVar contains an entry for this variant (Variation ID: 2744885). Invitae Evidence Modeling of protein sequence and biophysical properties (such as structural, functional, and spatial information, amino acid conservation, physicochemical variation, residue mobility, and thermodynamic stability) indicates that this missense variant is expected to disrupt MYH7 protein function with a positive predictive value of 95%. In summary, the available evidence is currently insufficient to determine the role of this variant in disease. Therefore, it has been classified as a Variant of Uncertain Significance.

NM_000257.4(MYH7):c.271G>A (p.Ala91Thr)

Gene: MYH7 (myosin heavy chain 7; minus strand). Cytogenetic location: 14q11.2.
Variant type: single nucleotide variant.
Coding change: c.271G>A on transcript NM_000257.4 (MANE Select); coding-DNA position 271, G replaced by A.
Protein change: p.Ala91Thr; replaces alanine 91 with threonine.
Molecular consequence: missense variant.
Genome position (GRCh38, 1-based): chr14:23,433,158, C>T on the plus strand (G>A on the coding strand, the complement: MYH7 is on the minus strand). VCF-style: chr14-23433158-C-T. GRCh37 (hg19) VCF-style: chr14-23902367-C-T.
Other names: c.271G>A, p.Ala91Thr (NM_001407004.1); short protein forms A91T.
Identifiers: ClinVar variation 2744885 (VCV002744885.3), dbSNP rs2502320174, ClinGen allele CA389053277.